The following is an entry in ClinVar:

NM_001673.5(ASNS):c.1166A>C (p.Glu389Ala)

Genes: ASNS (asparagine synthetase (glutamine-hydrolyzing); minus strand), CZ1P-ASNS (CZ1P-ASNS readthrough; minus strand). Cytogenetic location: 7q21.3.
Variant type: single nucleotide variant.
Coding change: c.1166A>C on transcript NM_001673.5 (MANE Select); coding-DNA position 1166, A replaced by C.
Protein change: p.Glu389Ala; replaces glutamic acid 389 with alanine.
Molecular consequence: missense variant. On other transcripts: non-coding transcript variant (1).
Genome position (GRCh38, 1-based): chr7:97,854,652, T>G on the plus strand (A>C on the coding strand, the complement: ASNS is on the minus strand). VCF-style: chr7-97854652-T-G. GRCh37 (hg19) VCF-style: chr7-97483964-T-G.
Other names: c.1103A>C, p.Glu368Ala (NM_001178075.2); c.917A>C, p.Glu306Ala (NM_001178076.2, NM_001178077.1); c.1166A>C, p.Glu389Ala (NM_001352496.2, NM_133436.3, NM_183356.4); short protein forms E306A, E368A, E389A.
Identifiers: ClinVar variation 1406997 (VCV001406997.10), dbSNP rs1401808666, ClinGen allele CA368265466.

ClinVar aggregate classification (germline): Uncertain significance. Review status: criteria provided, multiple submitters, no conflicts (2 of 4 stars). 3 submissions from 3 submitters: Uncertain significance (3). Last evaluated 2025-06-20.

Conditions:
Inborn genetic diseases. Identifiers: MedGen C0950123, MeSH D030342.

Allele frequency attached by ClinVar (database versions not stated): gnomAD 0.00002 and 0.00003; TOPMed 0.00002.
gnomAD v4.1: 5 of 1,613,990 alleles (0.00031%); highest among the groups gnomAD compares: African/African-American, 0.0067%; no homozygotes.

Submissions (3):

Women's Health and Genetics/Laboratory Corporation of America, LabCorp
Classification: Uncertain significance. Last evaluated: 2025-06-20. Review status: criteria provided, single submitter. Criteria: LabCorp Variant Classification Summary - May 2015. Collection method: clinical testing. Allele origin: germline.
Comment: Variant summary: ASNS c.1166A>C (p.Glu389Ala) results in a non-conservative amino acid change in the encoded protein sequence. Algorithms developed to predict the effect of missense changes on protein structure and function are either unavailable or do not agree on the potential impact of this missense change. The variant was absent in 251396 control chromosomes. The available data on variant occurrences in the general population are insufficient to allow any conclusion about variant significance. To our knowledge, no occurrence of c.1166A>C in individuals affected with Asparagine Synthetase Deficiency and no experimental evidence demonstrating its impact on protein function have been reported. ClinVar contains an entry for this variant (Variation ID: 1406997). Based on the evidence outlined above, the variant was classified as uncertain significance.

Ambry Genetics
Classification: Uncertain significance for Inborn genetic diseases. Last evaluated: 2025-06-06. Review status: criteria provided, single submitter. Criteria: Ambry Variant Classification Scheme 2023. Collection method: clinical testing. Allele origin: germline.

Labcorp Genetics (formerly Invitae), Labcorp
Classification: Uncertain significance. Last evaluated: 2024-12-09. Review status: criteria provided, single submitter. Criteria: Invitae Variant Classification Sherloc (09022015). Collection method: clinical testing. Allele origin: germline.
Comment: This sequence change replaces glutamic acid, which is acidic and polar, with alanine, which is neutral and non-polar, at codon 389 of the ASNS protein (p.Glu389Ala). This variant is present in population databases (no rsID available, gnomAD 0.01%). This variant has not been reported in the literature in individuals affected with ASNS-related conditions. ClinVar contains an entry for this variant (Variation ID: 1406997). Invitae Evidence Modeling of protein sequence and biophysical properties (such as structural, functional, and spatial information, amino acid conservation, physicochemical variation, residue mobility, and thermodynamic stability) indicates that this missense variant is not expected to disrupt ASNS protein function with a negative predictive value of 80%. In summary, the available evidence is currently insufficient to determine the role of this variant in disease. Therefore, it has been classified as a Variant of Uncertain Significance.